The following is an entry in ClinVar:

NM_144687.4(NLRP12):c.551C>G (p.Ala184Gly)

Gene: NLRP12 (NLR family pyrin domain containing 12; minus strand). Cytogenetic location: 19q13.42.
Variant type: single nucleotide variant.
Coding change: c.551C>G on transcript NM_144687.4 (MANE Select); coding-DNA position 551, C replaced by G.
Protein change: p.Ala184Gly; replaces alanine 184 with glycine.
Molecular consequence: missense variant.
Genome position (GRCh38, 1-based): chr19:53,811,108, G>C on the plus strand (C>G on the coding strand, the complement: NLRP12 is on the minus strand). VCF-style: chr19-53811108-G-C. GRCh37 (hg19) VCF-style: chr19-54314362-G-C.
Other names: c.551C>G, p.Ala184Gly (NM_001277126.2, NM_001277129.1); short protein forms A184G.
Identifiers: ClinVar variation 2699086 (VCV002699086.3), dbSNP rs2092066775, ClinGen allele CA407416561.
Genomic context (GRCh38, chr19:53,811,108, plus strand): 5'-TCGTCTGGCTCAAAGAGGGTCTCTATCTTGATGGGGCTAGCCTGGTGTCCCACGGTCCTC[G>C]CGTGTCCCCGGCCTGTGTCCAGAAGCTGCTGCTGGACCTGCATGGGGTTTGAGTGCTCCT-3'
Protein context (NP_653288.1, residues 174-194): QQLLDTGRGH[Ala184Gly]RTVGHQASPI

ClinVar aggregate classification (germline): Uncertain significance (1 of 4 stars; one submission).

Conditions:
Familial cold autoinflammatory syndrome 2 (FCAS2). Identifiers: Orphanet 247868, MedGen C2673198, MONDO:0012724, OMIM 611762.

Submission:

Labcorp Genetics (formerly Invitae), Labcorp
Classification: Uncertain significance for Familial cold autoinflammatory syndrome 2. Last evaluated: 2023-12-22. Review status: criteria provided, single submitter. Criteria: Invitae Variant Classification Sherloc (09022015). Collection method: clinical testing. Allele origin: germline.
Comment: This sequence change replaces alanine, which is neutral and non-polar, with glycine, which is neutral and non-polar, at codon 184 of the NLRP12 protein (p.Ala184Gly). This variant is not present in population databases (gnomAD no frequency). This variant has not been reported in the literature in individuals affected with NLRP12-related conditions. An algorithm developed to predict the effect of missense changes on protein structure and function (PolyPhen-2) suggests that this variant is likely to be tolerated. In summary, the available evidence is currently insufficient to determine the role of this variant in disease. Therefore, it has been classified as a Variant of Uncertain Significance.